The following is an entry in ClinVar:

NM_177438.3(DICER1):c.549C>A (p.Asp183Glu)

Gene: DICER1 (dicer 1, ribonuclease III; minus strand). Cytogenetic location: 14q32.13.
Variant type: single nucleotide variant.
Coding change: c.549C>A on transcript NM_177438.3 (MANE Select); coding-DNA position 549, C replaced by A.
Protein change: p.Asp183Glu; replaces aspartic acid 183 with glutamic acid.
Molecular consequence: missense variant.
Genome position (GRCh38, 1-based): chr14:95,130,082, G>T on the plus strand (C>A on the coding strand, the complement: DICER1 is on the minus strand). VCF-style: chr14-95130082-G-T. GRCh37 (hg19) VCF-style: chr14-95596419-G-T.
Other names: c.549C>A, p.Asp183Glu (NM_001195573.1, NM_001271282.3, NM_001291628.2 and 1 more transcripts); short protein forms D183E.
Identifiers: ClinVar variation 577986 (VCV000577986.14), dbSNP rs1060503587, ClinGen allele CA390888379.

ClinVar aggregate classification (germline): Uncertain significance. Review status: criteria provided, multiple submitters, no conflicts (2 of 4 stars). 2 submissions from 2 submitters: Uncertain significance (2). Last evaluated 2025-07-02.

Conditions:
DICER1-related tumor predisposition. Also called: DICER1 syndrome; DICER1-related pleuropulmonary blastoma cancer predisposition syndrome. Identifiers: Orphanet 284343, MedGen C3839822, MONDO:0100216.
Hereditary cancer-predisposing syndrome. Also called: Hereditary neoplastic syndrome; Tumor predisposition; Hereditary Cancer Syndrome; Neoplastic Syndromes, Hereditary. Identifiers: Orphanet 140162, MedGen C0027672, MeSH D009386, MONDO:0015356.

gnomAD v4.1: 1 of 1,613,378 alleles (0.000062%); highest among the groups gnomAD compares: Admixed American, 0.0017%; no homozygotes.

Submissions (2):

Labcorp Genetics (formerly Invitae), Labcorp
Classification: Uncertain significance for DICER1-related tumor predisposition. Last evaluated: 2025-07-02. Review status: criteria provided, single submitter. Criteria: Invitae Variant Classification Sherloc (09022015). Collection method: clinical testing. Allele origin: germline.
Comment: This sequence change replaces aspartic acid, which is acidic and polar, with glutamic acid, which is acidic and polar, at codon 183 of the DICER1 protein (p.Asp183Glu). This variant is not present in population databases (gnomAD no frequency). This variant has not been reported in the literature in individuals affected with DICER1-related conditions. ClinVar contains an entry for this variant (Variation ID: 577986). Invitae Evidence Modeling of protein sequence and biophysical properties (such as structural, functional, and spatial information, amino acid conservation, physicochemical variation, residue mobility, and thermodynamic stability) indicates that this missense variant is not expected to disrupt DICER1 protein function with a negative predictive value of 95%. In summary, the available evidence is currently insufficient to determine the role of this variant in disease. Therefore, it has been classified as a Variant of Uncertain Significance.

Ambry Genetics
Classification: Uncertain significance for Hereditary cancer-predisposing syndrome. Last evaluated: 2022-12-06. Review status: criteria provided, single submitter. Criteria: Ambry Variant Classification Scheme 2023. Collection method: clinical testing. Allele origin: germline.
Comment: The p.D183E variant (also known as c.549C>A), located in coding exon 4 of the DICER1 gene, results from a C to A substitution at nucleotide position 549. The aspartic acid at codon 183 is replaced by glutamic acid, an amino acid with highly similar properties. This amino acid position is highly conserved in available vertebrate species. In addition, the in silico prediction for this alteration is inconclusive. Since supporting evidence is limited at this time, the clinical significance of this alteration remains unclear.